The following is an entry in ClinVar:

NM_003327.4(TNFRSF4):c.521C>T (p.Thr174Met)

Gene: TNFRSF4 (TNF receptor superfamily member 4; minus strand). Cytogenetic location: 1p36.33.
Variant type: single nucleotide variant.
Coding change: c.521C>T on transcript NM_003327.4 (MANE Select); coding-DNA position 521, C replaced by T.
Protein change: p.Thr174Met; replaces threonine 174 with methionine.
Molecular consequence: missense variant.
Genome position (GRCh38, 1-based): chr1:1,212,055, G>A on the plus strand (C>T on the coding strand, the complement: TNFRSF4 is on the minus strand). VCF-style: chr1-1212055-G-A. GRCh37 (hg19) VCF-style: chr1-1147435-G-A.
Other names: c.521C>T, p.Thr174Met (NM_001410709.1); short protein forms T174M.
Identifiers: ClinVar variation 2733123 (VCV002733123.3), dbSNP rs746877501, ClinGen allele CA337799396.

ClinVar aggregate classification (germline): Uncertain significance (1 of 4 stars; one submission).

Conditions:
Combined immunodeficiency due to OX40 deficiency. Also called: OX40 DEFICIENCY; Immunodeficiency 16. Identifiers: Orphanet 431149, MedGen C3810053, MONDO:0014268, OMIM 615593.

Allele frequency attached by ClinVar (database versions not stated): TOPMed below 0.00001.
gnomAD v4.1: 33 of 1,612,012 alleles (0.002%); highest among the groups gnomAD compares: East Asian, 0.0067%; no homozygotes.

Submission:

Labcorp Genetics (formerly Invitae), Labcorp
Classification: Uncertain significance for Combined immunodeficiency due to OX40 deficiency. Last evaluated: 2025-08-14. Review status: criteria provided, single submitter. Criteria: Invitae Variant Classification Sherloc (09022015). Collection method: clinical testing. Allele origin: germline.
Comment: This sequence change replaces threonine, which is neutral and polar, with methionine, which is neutral and non-polar, at codon 174 of the TNFRSF4 protein (p.Thr174Met). The frequency data for this variant in the population databases is considered unreliable, as metrics indicate poor data quality at this position in the gnomAD database. This variant has not been reported in the literature in individuals affected with TNFRSF4-related conditions. ClinVar contains an entry for this variant (Variation ID: 2733123). Invitae Evidence Modeling of protein sequence and biophysical properties (such as structural, functional, and spatial information, amino acid conservation, physicochemical variation, residue mobility, and thermodynamic stability) indicates that this missense variant is not expected to disrupt TNFRSF4 protein function with a negative predictive value of 80%. In summary, the available evidence is currently insufficient to determine the role of this variant in disease. Therefore, it has been classified as a Variant of Uncertain Significance.